The following is an entry in ClinVar:

NC_000016.9:g.(?_2089925)_(2124410_?)del

Genes: NTHL1 (nth like DNA glycosylase 1; minus strand), TSC2 (TSC complex subunit 2; plus strand). Cytogenetic location: 16p13.3.
Variant type: Deletion.
Identifiers: ClinVar variation 3243444 (VCV003243444.1).

ClinVar aggregate classification (germline): Pathogenic (1 of 4 stars; one submission).

Conditions:
Tuberous sclerosis 2 (TSC2). Identifiers: Orphanet 805, MedGen C1860707, MONDO:0013199, OMIM 613254.

Submission:

Labcorp Genetics (formerly Invitae), Labcorp
Classification: Pathogenic for Tuberous sclerosis 2. Last evaluated: 2024-01-09. Review status: criteria provided, single submitter. Criteria: Invitae Variant Classification Sherloc (09022015). Collection method: clinical testing. Allele origin: unknown.
Comment: This variant is a gross deletion of the genomic region encompassing exon(s) 1-22 of the TSC2 gene, which includes the initiator codon. This deletion extends beyond the assayed region for this gene and therefore may encompass additional genes. It is expected to result in an absent or disrupted protein product. Loss-of-function variants in TSC2 are known to be pathogenic (PMID: 10205261, 17304050). A similar copy number variant has been observed in individual(s) with TSC2-related conditions (PMID: 31370276). For these reasons, this variant has been classified as Pathogenic.

Literature cited by the submitters: PubMed 10205261; PubMed 17304050; PubMed 31370276.